The following is an entry in ClinVar:

NM_002878.4(RAD51D):c.-4G>T

Genes: RAD51D (RAD51 paralog D; minus strand), RAD51L3-RFFL (RAD51L3-RFFL readthrough; minus strand). Cytogenetic location: 17q12.
Variant type: single nucleotide variant.
Coding change: c.-4G>T on transcript NM_002878.4 (MANE Select); 4 bases upstream of the start codon, G replaced by T.
Molecular consequence: 5 prime UTR variant. On other transcripts: non-coding transcript variant (2).
Genome position (GRCh38, 1-based): chr17:35,119,617, C>A on the plus strand (G>T on the coding strand, the complement: RAD51D is on the minus strand). VCF-style: chr17-35119617-C-A. GRCh37 (hg19) VCF-style: chr17-33446636-C-A.
Other names: c.-4G>T (NM_001142571.2, NM_133629.3).
Identifiers: ClinVar variation 4149904 (VCV004149904.1).

ClinVar aggregate classification (germline): Uncertain significance (1 of 4 stars; one submission).

Conditions:
Hereditary cancer-predisposing syndrome. Also called: Hereditary neoplastic syndrome; Neoplastic Syndromes, Hereditary; Tumor predisposition; Hereditary Cancer Syndrome. Identifiers: Orphanet 140162, MedGen C0027672, MeSH D009386, MONDO:0015356.

Submission:

Ambry Genetics
Classification: Uncertain significance for Hereditary cancer-predisposing syndrome. Last evaluated: 2025-07-24. Review status: criteria provided, single submitter. Criteria: Ambry Variant Classification Scheme 2023. Collection method: clinical testing. Allele origin: germline.
Comment: The c.-4G>T variant is located in the 5' untranslated region (5&rsquo; UTR) of the RAD51D gene. This variant results from a G to T substitution 4 bases upstream from the first translated codon. This nucleotide position is well conserved in available vertebrate species. Based on the available evidence, the clinical significance of this variant remains unclear.